The following is an entry in ClinVar:

NM_021954.4(GJA3):c.*1257G>A

Gene: GJA3 (gap junction protein alpha 3; minus strand). Cytogenetic location: 13q12.11.
Variant type: single nucleotide variant.
Coding change: c.*1257G>A on transcript NM_021954.4 (MANE Select); 1257 bases downstream of the stop codon, G replaced by A.
Molecular consequence: 3 prime UTR variant.
Genome position (GRCh38, 1-based): chr13:20,140,724, C>T on the plus strand (G>A on the coding strand, the complement: GJA3 is on the minus strand). VCF-style: chr13-20140724-C-T. GRCh37 (hg19) VCF-style: chr13-20714863-C-T.
Identifiers: ClinVar variation 311308 (VCV000311308.6), dbSNP rs12427963, ClinGen allele CA10639077.
Genomic context (GRCh38, chr13:20,140,724, plus strand): 5'-TCCCTGTCAGGACAGCTCTGGTGTGGAGGCAGAATGGGGCATACAGCCTGCATGAGCACG[C>T]GCCCTCCCCCAGGCAGGGATCCCCAGACACTTATATTATTTACACTGGAGAAAGCAAACA-3'

ClinVar aggregate classification (germline): Benign. Review status: criteria provided, multiple submitters, no conflicts (2 of 4 stars). 2 submissions from 2 submitters: Benign (2). Last evaluated 2018-01-13.

Conditions:
Cataract 14 multiple types. Also called: CATARACT 14, ZONULAR PULVERULENT; CATARACT 14, NUCLEAR PULVERULENT; CATARACT 14, NUCLEAR PULVERULENT AND POSTERIOR POLAR; CATARACT 14, NUCLEAR CORALLIFORM; CATARACT 14, EMBRYONAL NUCLEAR; CATARACT 14, COPPOCK-LIKE. Identifiers: Orphanet 91492, MedGen C1866078, MONDO:0011162, OMIM 601885.

Allele frequency attached by ClinVar (database versions not stated): 1000 Genomes Project 30x 0.26499; gnomAD 0.21768 and 0.22590; 1000 Genomes Project 0.27137; gnomAD exomes 0.66667; TOPMed 0.23102.
gnomAD v4.1: 34,359 of 152,168 alleles (23%); highest among the groups gnomAD compares: East Asian, 44%; 4,534 homozygotes.

Submissions (2):

Illumina Laboratory Services, Illumina
Classification: Benign for Cataract 14 multiple types. Last evaluated: 2018-01-13. Review status: criteria provided, single submitter. Criteria: ICSL Variant Classification Criteria 13 December 2019. Collection method: clinical testing. Allele origin: germline.
Comment: This variant was observed in the ICSL laboratory as part of a predisposition screen in an ostensibly healthy population. It had not been previously curated by ICSL or reported in the Human Gene Mutation Database (HGMD: prior to June 1st, 2018), and was therefore a candidate for classification through an automated scoring system. Utilizing variant allele frequency, disease prevalence and penetrance estimates, and inheritance mode, an automated score was calculated to assess if this variant is too frequent to cause the disease. Based on the score and internal cut-off values, a variant classified as benign is not then subjected to further curation. The score for this variant resulted in a classification of benign for this disease.

Breakthrough Genomics
Classification: Benign. Review status: criteria provided, single submitter. Criteria: ACMG Guidelines, 2015. Collection method: not provided. Allele origin: germline. Inheritance: Autosomal dominant inheritance. Affected: yes.